The following is an entry in ClinVar:

NM_144670.6(A2ML1):c.1427T>A (p.Ile476Asn)

Gene: A2ML1 (alpha-2-macroglobulin like 1; plus strand). Cytogenetic location: 12p13.31.
Variant type: single nucleotide variant.
Coding change: c.1427T>A on transcript NM_144670.6 (MANE Select); coding-DNA position 1427, T replaced by A.
Protein change: p.Ile476Asn; replaces isoleucine 476 with asparagine.
Molecular consequence: missense variant.
Genome position (GRCh38, 1-based): chr12:8,843,312, T>A. VCF-style: chr12-8843312-T-A. GRCh37 (hg19) VCF-style: chr12-8995908-T-A.
Other names: short protein forms I476N.
Identifiers: ClinVar variation 2729849 (VCV002729849.3), dbSNP rs934024389, ClinGen allele CA232677687.

ClinVar aggregate classification (germline): Uncertain significance (1 of 4 stars; one submission).

Allele frequency attached by ClinVar (database versions not stated): TOPMed 0.00001.
gnomAD v4.1: 11 of 1,613,852 alleles (0.00068%); highest among the groups gnomAD compares: Non-Finnish European, 0.00093%; no homozygotes.

Submission:

Labcorp Genetics (formerly Invitae), Labcorp
Classification: Uncertain significance. Last evaluated: 2022-12-30. Review status: criteria provided, single submitter. Criteria: Invitae Variant Classification Sherloc (09022015). Collection method: clinical testing. Allele origin: germline.
Comment: In summary, the available evidence is currently insufficient to determine the role of this variant in disease. Therefore, it has been classified as a Variant of Uncertain Significance. Algorithms developed to predict the effect of missense changes on protein structure and function (SIFT, PolyPhen-2, Align-GVGD) all suggest that this variant is likely to be disruptive. This variant has not been reported in the literature in individuals affected with A2ML1-related conditions. This variant is present in population databases (no rsID available, gnomAD 0.007%). This sequence change replaces isoleucine, which is neutral and non-polar, with asparagine, which is neutral and polar, at codon 476 of the A2ML1 protein (p.Ile476Asn).